The following is an entry in ClinVar:

NM_020806.5(GPHN):c.1724T>G (p.Ile575Ser)

Gene: GPHN (gephyrin; plus strand). Cytogenetic location: 14q23.3.
Variant type: single nucleotide variant.
Coding change: c.1724T>G on transcript NM_020806.5 (MANE Select); coding-DNA position 1724, T replaced by G.
Protein change: p.Ile575Ser; replaces isoleucine 575 with serine.
Molecular consequence: missense variant.
Genome position (GRCh38, 1-based): chr14:67,122,353, T>G. VCF-style: chr14-67122353-T-G. GRCh37 (hg19) VCF-style: chr14-67589070-T-G.
Other names: c.1625T>G, p.Ile542Ser (NM_001024218.2); c.1784T>G, p.Ile595Ser (NM_001377514.1); c.1754T>G, p.Ile585Ser (NM_001377515.1); c.1745T>G, p.Ile582Ser (NM_001377516.1); c.1697T>G, p.Ile566Ser (NM_001377517.1); c.1682T>G, p.Ile561Ser (NM_001377518.1); c.1664T>G, p.Ile555Ser (NM_001377519.1); short protein forms I561S, I595S, I555S, I575S, I566S, I582S, I542S, I585S.
Identifiers: ClinVar variation 3650667 (VCV003650667.2).
Genomic context (GRCh38, chr14:67,122,353, plus strand): 5'-TTCGAGACAGCAATCGTTCAACTCTTCTAGCAACAATTCAGGAACATGGTTACCCCACGA[T>G]CAACTTGGGTATTGTAGGAGACAAGTAAGTATTTGATGTCATTCTGAAAAGTTTGTATTG-3'
Protein context (NP_065857.1, residues 565-585): ATIQEHGYPT[Ile575Ser]NLGIVGDNPD

ClinVar aggregate classification (germline): Uncertain significance (1 of 4 stars; one submission).

Conditions:
Sulfite oxidase deficiency due to molybdenum cofactor deficiency type C. Also called: Molybdenum cofactor deficiency, complementation group C; Molybdenum cofactor deficiency C. Identifiers: Orphanet 308400, Orphanet 833, MedGen C1854990, MONDO:0014212, OMIM 615501.

Submission:

Labcorp Genetics (formerly Invitae), Labcorp
Classification: Uncertain significance for Sulfite oxidase deficiency due to molybdenum cofactor deficiency type C. Last evaluated: 2024-04-24. Review status: criteria provided, single submitter. Criteria: Invitae Variant Classification Sherloc (09022015). Collection method: clinical testing. Allele origin: germline.
Comment: This sequence change replaces isoleucine, which is neutral and non-polar, with serine, which is neutral and polar, at codon 575 of the GPHN protein (p.Ile575Ser). This variant is not present in population databases (gnomAD no frequency). This variant has not been reported in the literature in individuals affected with GPHN-related conditions. Advanced modeling of protein sequence and biophysical properties (such as structural, functional, and spatial information, amino acid conservation, physicochemical variation, residue mobility, and thermodynamic stability) performed at Invitae indicates that this missense variant is not expected to disrupt GPHN protein function with a negative predictive value of 80%. In summary, the available evidence is currently insufficient to determine the role of this variant in disease. Therefore, it has been classified as a Variant of Uncertain Significance.